The following is an entry in ClinVar:

NM_000350.3(ABCA4):c.3298A>G (p.Ile1100Val)

Gene: ABCA4 (ATP binding cassette subfamily A member 4; minus strand). Cytogenetic location: 1p22.1.
Variant type: single nucleotide variant.
Coding change: c.3298A>G on transcript NM_000350.3 (MANE Select); coding-DNA position 3298, A replaced by G.
Protein change: p.Ile1100Val; replaces isoleucine 1100 with valine.
Molecular consequence: missense variant.
Genome position (GRCh38, 1-based): chr1:94,042,791, T>C on the plus strand (A>G on the coding strand, the complement: ABCA4 is on the minus strand). VCF-style: chr1-94042791-T-C. GRCh37 (hg19) VCF-style: chr1-94508347-T-C.
Other names: c.3076A>G, p.Ile1026Val (NM_001425324.1); short protein forms I1100V, I1026V.
Identifiers: ClinVar variation 937731 (VCV000937731.12), dbSNP rs572604704, ClinGen allele CA957990.

ClinVar aggregate classification (germline): Conflicting classifications of pathogenicity. Review status: criteria provided, conflicting classifications (1 of 4 stars). 2 submissions from 2 submitters: Likely pathogenic (1); Uncertain significance (1). Last evaluated 2025-06-02.

Allele frequency attached by ClinVar (database versions not stated): gnomAD exomes below 0.00001 and 0.00002; gnomAD 0.00001; TOPMed 0.00001; ExAC 0.00002; 1000 Genomes Project 30x 0.00016; 1000 Genomes Project 0.00020.
gnomAD v4.1: 9 of 1,614,188 alleles (0.00056%); highest among the groups gnomAD compares: Admixed American, 0.0083%; no homozygotes.

Submissions (2):

Women's Health and Genetics/Laboratory Corporation of America, LabCorp
Classification: Uncertain significance. Last evaluated: 2025-06-02. Review status: criteria provided, single submitter. Criteria: LabCorp Variant Classification Summary - May 2015. Collection method: clinical testing. Allele origin: germline.
Comment: Variant summary: ABCA4 c.3298A>G (p.Ile1100Val) results in a conservative amino acid change located in the ABC transporter-like, ATP-binding domain (IPR003439) of the encoded protein sequence. Algorithms developed to predict the effect of missense changes on protein structure and function are either unavailable or do not agree on the potential impact of this missense change. The variant allele was found at a frequency of 2.4e-05 in 251424 control chromosomes. To our knowledge, no occurrence of c.3298A>G in individuals affected with Retinitis Pigmentosa and no experimental evidence demonstrating its impact on protein function have been reported. However, two missense varianats resulting in different amino acid changes, c.3299T>A (p.Ile1100Asn) and c.3299T>C (p.Ile1100Thr has been observed in individuals with Retinitis Pigmentosa and has been classified as pathogenic in ClinVar (PMID: 23982839, 28041643, 32581362, 32619608, 37217489, LCG internal data). ClinVar contains an entry for this variant (Variation ID: 937731). Based on the evidence outlined above, the variant was classified as VUS-possibly pathogenic.

Labcorp Genetics (formerly Invitae), Labcorp
Classification: Likely pathogenic. Last evaluated: 2023-03-20. Review status: criteria provided, single submitter. Criteria: Invitae Variant Classification Sherloc (09022015). Collection method: clinical testing. Allele origin: germline.
Comment: This variant has not been reported in the literature in individuals affected with ABCA4-related conditions. In summary, the currently available evidence indicates that the variant is pathogenic, but additional data are needed to prove that conclusively. Therefore, this variant has been classified as Likely Pathogenic. This variant disrupts the p.Ile1100 amino acid residue in ABCA4. Other variant(s) that disrupt this residue have been determined to be pathogenic (PMID: 23982839, 28041643; Invitae). This suggests that this residue is clinically significant, and that variants that disrupt this residue are likely to be disease-causing. Advanced modeling of protein sequence and biophysical properties (such as structural, functional, and spatial information, amino acid conservation, physicochemical variation, residue mobility, and thermodynamic stability) performed at Invitae indicates that this missense variant is expected to disrupt ABCA4 protein function. ClinVar contains an entry for this variant (Variation ID: 937731). This variant is present in population databases (rs572604704, gnomAD 0.01%). This sequence change replaces isoleucine, which is neutral and non-polar, with valine, which is neutral and non-polar, at codon 1100 of the ABCA4 protein (p.Ile1100Val).

Literature cited by the submitters: PubMed 23982839 (cited by Labcorp Genetics (formerly Invitae), Labcorp); PubMed 28041643 (cited by Labcorp Genetics (formerly Invitae), Labcorp).